The following is an entry in ClinVar:

NM_182643.3(DLC1):c.2232C>A (p.Ser744Arg)

Gene: DLC1 (DLC1 Rho GTPase activating protein; minus strand). Cytogenetic location: 8p22.
Variant type: single nucleotide variant.
Coding change: c.2232C>A on transcript NM_182643.3 (MANE Select); coding-DNA position 2232, C replaced by A.
Protein change: p.Ser744Arg; replaces serine 744 with arginine.
Molecular consequence: missense variant.
Genome position (GRCh38, 1-based): chr8:13,100,105, G>T on the plus strand (C>A on the coding strand, the complement: DLC1 is on the minus strand). VCF-style: chr8-13100105-G-T. GRCh37 (hg19) VCF-style: chr8-12957614-G-T.
Other names: c.699C>A, p.Ser233Arg (NM_001164271.2, NM_001348082.2, NM_001348083.1 and 6 more transcripts); c.1023C>A, p.Ser341Arg (NM_001316668.2, NM_001413129.1); c.2232C>A, p.Ser744Arg (NM_001348081.2, NM_001413124.1); c.1014C>A, p.Ser338Arg (NM_001413130.1); c.672C>A, p.Ser224Arg (NM_001413131.1, NM_001413137.1); c.1158C>A, p.Ser386Arg (NM_001413132.1); c.921C>A, p.Ser307Arg (NM_001413135.1, NM_001413136.1, NM_001413139.1 and 1 more transcripts); c.1056C>A, p.Ser352Arg (NM_001413140.1); short protein forms S224R, S233R, S386R, S338R, S341R, S352R, S744R, S307R.
Identifiers: ClinVar variation 2875046 (VCV002875046.3), dbSNP rs747438739, ClinGen allele CA4638677.

ClinVar aggregate classification (germline): Uncertain significance (1 of 4 stars; one submission).

Allele frequency attached by ClinVar (database versions not stated): TOPMed below 0.00001; ExAC 0.00001; gnomAD 0.00001.
gnomAD v4.1: 8 of 1,613,670 alleles (0.0005%); highest among the groups gnomAD compares: Non-Finnish European, 0.00068%; no homozygotes.

Submission:

Labcorp Genetics (formerly Invitae), Labcorp
Classification: Uncertain significance. Last evaluated: 2024-06-03. Review status: criteria provided, single submitter. Criteria: Invitae Variant Classification Sherloc (09022015). Collection method: clinical testing. Allele origin: germline.
Comment: This sequence change replaces serine, which is neutral and polar, with arginine, which is basic and polar, at codon 744 of the DLC1 protein (p.Ser744Arg). The frequency data for this variant in the population databases is considered unreliable, as metrics indicate poor data quality at this position in the gnomAD database. This variant has not been reported in the literature in individuals affected with DLC1-related conditions. An algorithm developed to predict the effect of missense changes on protein structure and function (PolyPhen-2) suggests that this variant is likely to be tolerated. In summary, the available evidence is currently insufficient to determine the role of this variant in disease. Therefore, it has been classified as a Variant of Uncertain Significance.